The following is an entry in ClinVar:

ClinVar aggregate classification (germline): Uncertain significance (1 of 4 stars; one submission).

Conditions:
Inflammatory bowel disease 28. Also called: Inflammatory bowel disease 28, early onset, autosomal recessive. Identifiers: Orphanet 238569, MedGen C2751053, MONDO:0013153, OMIM 613148.

Submission:

Labcorp Genetics (formerly Invitae), Labcorp
Classification: Uncertain significance for Inflammatory bowel disease 28. Last evaluated: 2022-02-02. Review status: criteria provided, single submitter. Criteria: Invitae Variant Classification Sherloc (09022015). Collection method: clinical testing. Allele origin: germline.
Comment: In summary, the available evidence is currently insufficient to determine the role of this variant in disease. Therefore, it has been classified as a Variant of Uncertain Significance. Algorithms developed to predict the effect of missense changes on protein structure and function are either unavailable or do not agree on the potential impact of this missense change (SIFT: "Tolerated"; PolyPhen-2: "Possibly Damaging"; Align-GVGD: "Class C0"). This variant has not been reported in the literature in individuals affected with IL10RA-related conditions. This variant is not present in population databases (gnomAD no frequency). This sequence change replaces proline, which is neutral and non-polar, with alanine, which is neutral and non-polar, at codon 287 of the IL10RA protein (p.Pro287Ala).

NM_001558.4(IL10RA):c.859C>G (p.Pro287Ala)

Gene: IL10RA (interleukin 10 receptor subunit alpha; plus strand). Cytogenetic location: 11q23.3.
Variant type: single nucleotide variant.
Coding change: c.859C>G on transcript NM_001558.4 (MANE Select); coding-DNA position 859, C replaced by G.
Protein change: p.Pro287Ala; replaces proline 287 with alanine.
Molecular consequence: missense variant. On other transcripts: non-coding transcript variant (1).
Genome position (GRCh38, 1-based): chr11:117,998,763, C>G. VCF-style: chr11-117998763-C-G. GRCh37 (hg19) VCF-style: chr11-117869478-C-G.
Other names: short protein forms P287A.
Identifiers: ClinVar variation 2065405 (VCV002065405.4), dbSNP rs2134995502, ClinGen allele CA382778800.